The following is an entry in ClinVar:

ClinVar aggregate classification (germline): Uncertain significance (1 of 4 stars; one submission).

Conditions:
Familial adenomatous polyposis 1 (FAP1). Also called: POLYPOSIS, ADENOMATOUS INTESTINAL; FAMILIAL ADENOMATOUS POLYPOSIS 1, ATTENUATED. Identifiers: MedGen C2713442, MONDO:0021056, OMIM 175100. Disease mechanism: loss of function.

Submission:

Labcorp Genetics (formerly Invitae), Labcorp
Classification: Uncertain significance for Familial adenomatous polyposis 1. Last evaluated: 2025-11-26. Review status: criteria provided, single submitter. Criteria: Invitae Variant Classification Sherloc (09022015). Collection method: clinical testing. Allele origin: germline.
Comment: This sequence change replaces aspartic acid, which is acidic and polar, with alanine, which is neutral and non-polar, at codon 29 of the APC protein (p.Asp29Ala). This variant is not present in population databases (gnomAD no frequency). This variant has not been reported in the literature in individuals affected with APC-related conditions. ClinVar contains an entry for this variant (Variation ID: 945238). Invitae Evidence Modeling of protein sequence and biophysical properties (such as structural, functional, and spatial information, amino acid conservation, physicochemical variation, residue mobility, and thermodynamic stability) indicates that this missense variant is not expected to disrupt APC protein function with a negative predictive value of 95%. In summary, the available evidence is currently insufficient to determine the role of this variant in disease. Therefore, it has been classified as a Variant of Uncertain Significance.

NM_000038.6(APC):c.86A>C (p.Asp29Ala)

Gene: APC (APC regulator of Wnt signaling pathway; plus strand). Cytogenetic location: 5q22.2.
Variant type: single nucleotide variant.
Coding change: c.86A>C on transcript NM_000038.6 (MANE Select); coding-DNA position 86, A replaced by C.
Protein change: p.Asp29Ala; replaces aspartic acid 29 with alanine.
Molecular consequence: missense variant. On other transcripts: 5 prime UTR variant (1), intron variant (8).
Genome position (GRCh38, 1-based): chr5:112,754,976, A>C. VCF-style: chr5-112754976-A-C. GRCh37 (hg19) VCF-style: chr5-112090673-A-C.
Other names: c.86A>C, p.Asp29Ala (NM_001127510.3, NM_001354895.2, NM_001354896.2 and 2 more transcripts); c.-950A>C (NM_001354906.2); c.166-11350A>C (NM_001354897.2, NM_001354902.2, NM_001127511.3); c.61-11350A>C (NM_001354898.2, NM_001354904.2); c.-42-11350A>C (NM_001354900.2, NM_001354901.2, NM_001354905.2); short protein forms D29A.
Identifiers: ClinVar variation 945238 (VCV000945238.11), dbSNP rs1754793886, ClinGen allele CA16021526.